The following is an entry in ClinVar:

NM_003672.4(CDC14A):c.1655G>T (p.Gly552Val)

Gene: CDC14A (cell division cycle 14A; plus strand). Cytogenetic location: 1p21.2.
Variant type: single nucleotide variant.
Coding change: c.1655G>T on transcript NM_003672.4 (MANE Select); coding-DNA position 1655, G replaced by T.
Protein change: p.Gly552Val; replaces glycine 552 with valine.
Molecular consequence: missense variant.
Genome position (GRCh38, 1-based): chr1:100,499,162, G>T. VCF-style: chr1-100499162-G-T. GRCh37 (hg19) VCF-style: chr1-100964718-G-T.
Other names: c.1655G>T, p.Gly552Val (NM_001319210.2, NM_033312.3); c.1481G>T, p.Gly494Val (NM_001319211.2); c.776G>T, p.Gly259Val (NM_001319212.2); c.1655G>T (NM_003672.3); short protein forms G259V, G552V, G494V.
Identifiers: ClinVar variation 2395825 (VCV002395825.3), dbSNP rs138365815, ClinGen allele CA970948.
Genomic context (GRCh38, chr1:100,499,162, plus strand): 5'-ACAATAATCAGTACAACAGAAGCAGCAACAGCAACGGGGGCAACCTGAACAGCCCCCCAG[G>T]CCCCCACAGCGCCAAGACAGAGGAGCACACCACCATCCTCCGACCCTCCTACACCGGGCT-3'
Protein context (NP_003663.2, residues 542-562): SNGGNLNSPP[Gly552Val]PHSAKTEEHT

ClinVar aggregate classification (germline): Uncertain significance. Review status: criteria provided, multiple submitters, no conflicts (2 of 4 stars). 2 submissions from 2 submitters: Uncertain significance (2). Last evaluated 2022-12-30.

Conditions:
Inborn genetic diseases. Identifiers: MedGen C0950123, MeSH D030342.

Allele frequency attached by ClinVar (database versions not stated): ESP Exome Variant Server 0.00008.
gnomAD v4.1: 176 of 1,613,958 alleles (0.011%); highest among the groups gnomAD compares: Non-Finnish European, 0.014%; no homozygotes.

Submissions (2):

GeneDx
Classification: Uncertain significance. Last evaluated: 2022-12-30. Review status: criteria provided, single submitter. Criteria: GeneDx Variant Classification Process June 2021. Collection method: clinical testing. Allele origin: germline. Affected: yes.
Comment: Not observed at significant frequency in large population cohorts (gnomAD); In silico analysis supports that this missense variant does not alter protein structure/function; Has not been previously published as pathogenic or benign to our knowledge

Ambry Genetics
Classification: Uncertain significance for Inborn genetic diseases. Last evaluated: 2021-10-12. Review status: criteria provided, single submitter. Criteria: Ambry Variant Classification Scheme 2023. Collection method: clinical testing. Allele origin: germline.